The following is an entry in ClinVar:

GRCh37/hg19 Xq27.1(chrX:139296733-140122588)x3

Genes: CDR1 (cerebellar degeneration related 1; minus strand), SOX3 (SRY-box transcription factor 3; minus strand), SPANXB1 (SPANX family member B1; plus strand). Cytogenetic location: Xq27.1.
Variant type: copy number gain.
Change: copy number 3 of chrX:139,296,733-140,122,588 (825.9 kb, GRCh37 coordinates, 1-based), cytogenetic band Xq27.1.
Identifiers: ClinVar variation 2685017 (VCV002685017.1).

ClinVar aggregate classification (germline): Pathogenic (1 of 4 stars; one submission).

Submission:

Quest Diagnostics Nichols Institute San Juan Capistrano
Classification: Pathogenic. Last evaluated: 2022-10-16. Review status: criteria provided, single submitter. Criteria: ACMG/ClinGen CNV Guidelines, 2019. Collection method: clinical testing. Allele origin: unknown.
Comment: The copy number gain of Xq27.1 involves three protein-coding genes, including SOX3 (OMIM 313430). Heterozygous duplications of this locus are associated with X-linked intellectual developmental disorder with isolated growth hormone deficiency (OMIM 300123) and X-linked panhypopituitarism (OMIM 312000) (Rosolowsky 2020, Woods 2005, Bauters 2014). In addition, individuals with both XX and XY genotypes can present with a spectrum of neural tube defects (Arya 2019, Butler 2022, Hureaux 2019, Uguen 2015). While unaffected XX carrier mothers of SOX3 gains are reported in some pedigrees, XX genotypes with duplications involving SOX3 can present with 46,XX sex reversal 3 (OMIM 300833, Grinspon 2016, Moalem 2012, Oroz 2022, Sutton 2011, Tasic 2019, Wei 2022, Zhuang 2021) There are no similar copy number gains of this region in the general populations of the Database of Genomic Variants. Thus, based on current medical literature and gene content, this copy number variant (CNV) is classified as pathogenic. References: Arya et al., Horm Res Paediatr. 2019;92(6):382-389. PMID: 31678974 Bauters et al., Am J Med Genet A. 2014 Aug;164A(8):1947-52. PMID: 24737742 Butler et al., Am J Med Genet A. 2022 May;188(5):1572-1577. PMID: 35098650 Grinspon et al., Clin Endocrinol (Oxf). 2016 Oct;85(4):673-5. PMID: 27260338 Hureaux et al., Prenat Diagn. 2019 Oct;39(11):1026-1034. PMID: 31299102 Moalem et al., Am J Med Genet A. 2012 Jul;158A(7):1759-64. PMID: 22678921 Oroz et al., J Pediatr Endocrinol Metab. 2022 Oct 4. PMID: 36189645 Rosolowsky et al., J Pediatr Endocrinol Metab. 2020 Mar 26;33(3):443-447. PMID: 26352083 Sutton et al., J Clin Invest. 2011 Jan;121(1):328-41. PMID: 21183788 Tasic et al., Balkan J Med Genet. 2019 Aug 28;22(1):81-88. PMID: 31523625 Uguen et al., Am J Med Genet A. 2015 Jul;167(7):1676-8. PMID: 25900196 Wei et al., BMC Med Genomics. 2022 Sep 5;15(1):188. PMID: 36064700 Woods et al., Am J Hum Genet. 2005 May;76(5):833-49. PMID: 15800844 Zhuang et al., Front Pediatr. 2021 Jun 11;9:682846. PMID: 34178900